The following is an entry in ClinVar:

ClinVar aggregate classification (germline): Pathogenic. Review status: criteria provided, multiple submitters, no conflicts (2 of 4 stars). 2 submissions from 2 submitters: Pathogenic (2). Last evaluated 2025-03-03.

Conditions:
Inborn genetic diseases. Identifiers: MedGen C0950123, MeSH D030342.
Progressive myoclonic epilepsy. Also called: Familial progressive myoclonic epilepsy; Myoclonic Epilepsies, Progressive; Myoclonus epilepsy; Progressive myoclonus epilepsy. Identifiers: Orphanet 308, Orphanet 98261, MedGen C0751778, MONDO:0020074.

Submissions (2):

Labcorp Genetics (formerly Invitae), Labcorp
Classification: Pathogenic for Progressive myoclonic epilepsy. Last evaluated: 2025-03-03. Review status: criteria provided, single submitter. Criteria: Invitae Variant Classification Sherloc (09022015). Collection method: clinical testing. Allele origin: germline.
Comment: This sequence change creates a premature translational stop signal (p.Ser114*) in the GOSR2 gene. It is expected to result in an absent or disrupted protein product. Loss-of-function variants in GOSR2 are known to be pathogenic (PMID: 21549339). This variant is not present in population databases (gnomAD no frequency). This variant has not been reported in the literature in individuals affected with GOSR2-related conditions. For these reasons, this variant has been classified as Pathogenic.

Ambry Genetics
Classification: Pathogenic for Inborn genetic diseases. Last evaluated: 2021-07-26. Review status: criteria provided, single submitter. Criteria: Ambry Variant Classification Scheme 2023. Collection method: clinical testing. Allele origin: germline.
Comment: The c.341_342delCT (p.S114*) alteration, located in exon 5 (coding exon 5) of the GOSR2 gene, consists of a deletion of 2 nucleotides from position 341 to 342, causing a translational frameshift with a predicted alternate stop codon after amino acids. This alteration is expected to result in loss of function by premature protein truncation or nonsense-mediated mRNA decay. This variant was not reported in population-based cohorts in the Genome Aggregation Database (gnomAD). Based on the available evidence, this alteration is classified as pathogenic.

Literature cited by the submitters: PubMed 21549339 (cited by Labcorp Genetics (formerly Invitae), Labcorp).

NM_004287.5(GOSR2):c.341_342del (p.Asp113_Ser114insTer)

Genes: GOSR2 (golgi SNAP receptor complex member 2; plus strand), LRRC37A2 (leucine rich repeat containing 37 member A2). Cytogenetic location: 17q21.32.
Variant type: Microsatellite.
Coding change: c.341_342del on transcript NM_004287.5 (MANE Select); coding-DNA positions 341 to 342, 2 bases deleted (CT; older notation c.341_342delCT).
Protein change: p.Asp113_Ser114insTer.
Molecular consequence: nonsense. On other transcripts: non-coding transcript variant (1), intron variant (4).
Genome position (GRCh38, 1-based): chr17:46,935,033-46,935,034, CT deleted; deleting any 2 consecutive bases within chr17:46,935,031-46,935,034 gives the same sequence; the c. name uses the placement nearest the transcript's 3' end. VCF-style (leftmost placement, unchanged base first): chr17-46935030-ACT-A. GRCh37 (hg19) VCF-style: chr17-45012396-ACT-A.
Other names: c.341_342del, p.Asp113_Ser114insTer (NM_001012511.3, NM_001321133.2, NM_054022.4); c.338_339del, p.Asp112_Ser113insTer (NM_001353114.2); c.287_288del, p.Asp95_Ser96insTer (NM_001363851.2); c.282+2834_282+2835del (NM_001321134.2); c.336+2834_336+2835del (NM_001330252.2); c.333+2834_333+2835del (NM_001353115.2, NM_001353116.2).
Identifiers: ClinVar variation 2234799 (VCV002234799.3), dbSNP rs1160364840, ClinGen allele CA772503520.